The following is an entry in ClinVar:

ClinVar aggregate classification (germline): Pathogenic (3 of 4 stars; one submission).

Conditions:
Breast-ovarian cancer, familial, susceptibility to, 1 (BROVCA1). Also called: BRCA1 Hereditary Breast and Ovarian Cancer; OVARIAN CANCER, SUSCEPTIBILITY TO. Identifiers: Orphanet 145, MedGen C2676676, MONDO:0011450, OMIM 604370. Disease mechanism: loss of function.

Submission:

Evidence-based Network for the Interpretation of Germline Mutant Alleles (ENIGMA)
Classification: Pathogenic for Breast-ovarian cancer, familial, susceptibility to, 1. Last evaluated: 2017-12-15. Review status: reviewed by expert panel. Criteria: ENIGMA BRCA1/2 Classification Criteria (2017-06-29). Collection method: curation. Allele origin: germline. Study: ENIGMA.
Comment: Variant allele predicted to encode a truncated non-functional protein.

NM_007294.4(BRCA1):c.5008_5009insC (p.Arg1670fs)

Gene: BRCA1 (BRCA1 DNA repair associated; minus strand). Cytogenetic location: 17q21.31.
Variant type: Insertion.
Coding change: c.5008_5009insC on transcript NM_007294.4 (MANE Select); coding-DNA positions 5008 to 5009, C inserted.
Protein change: p.Arg1670fs; shifts the reading frame from arginine 1670.
Molecular consequence: frameshift variant. On other transcripts: non-coding transcript variant (1).
Genome position: GRCh38 VCF-style: chr17-43067673-C-CG. GRCh37 (hg19) VCF-style: chr17-41219690-C-CG.
Other names: c.1693_1694insC, p.Arg565Thrfs (NM_001408473.1, NM_001408392.1, NM_001408396.1 and 8 more transcripts); c.1498_1499insC, p.Arg500Thrfs (NM_001408474.1); c.1495_1496insC, p.Arg499Thrfs (NM_001408475.1, NM_001408476.1); c.1489_1490insC, p.Arg497Thrfs (NM_001408478.1, NM_001408479.1, NM_001408480.1); c.1486_1487insC, p.Arg496Thrfs (NM_001408481.1, NM_001408482.1, NM_001408483.1 and 5 more transcripts); c.1483_1484insC, p.Arg495Thrfs (NM_001408492.1, NM_001408493.1); c.1459_1460insC, p.Arg487Thrfs (NM_001408494.1); c.1453_1454insC, p.Arg485Thrfs (NM_001408495.1); and 73 more; short protein forms R1691fs, R1623fs, R1670fs, R566fs.
Identifiers: ClinVar variation 548322 (VCV000548322.2), dbSNP rs1555579738, ClinGen allele CA658824727.
Genomic context (GRCh38, chr17:43,067,673, plus strand): 5'-TTCATAACAACATGAGTAGTCTCTTCAGTAATTAGATTAGTTAAAGTGATGTGGTGTTTT[C>CG]TGGCAAACTTGTACACGAGCATCTGAAATTAAATCAAATATTCCATTATCATGAGTTACC-3'